The following is an entry in ClinVar:

NM_012238.5(SIRT1):c.40T>C (p.Ser14Pro)

Genes: SIRT1 (sirtuin 1; plus strand), LOC107832851 (SIRT1 promoter region; plus strand). Cytogenetic location: 10q21.3.
Variant type: single nucleotide variant.
Coding change: c.40T>C on transcript NM_012238.5 (MANE Select); coding-DNA position 40, T replaced by C.
Protein change: p.Ser14Pro; replaces serine 14 with proline.
Molecular consequence: missense variant.
Genome position (GRCh38, 1-based): chr10:67,884,761, T>C. VCF-style: chr10-67884761-T-C. GRCh37 (hg19) VCF-style: chr10-69644519-T-C.
Other names: c.40T>C (NM_012238.4); short protein forms S14P.
Identifiers: ClinVar variation 1524941 (VCV001524941.11), dbSNP rs201230502, ClinGen allele CA5520972.

ClinVar aggregate classification (germline): Uncertain significance. Review status: criteria provided, multiple submitters, no conflicts (2 of 4 stars). 3 submissions from 3 submitters: Uncertain significance (2). 1 of the submissions does not count toward it. Last evaluated 2026-01-12.

Conditions:
SIRT1-related disorder. Also called: SIRT1-related condition.

Allele frequency attached by ClinVar (database versions not stated): 1000 Genomes Project 30x 0.00109; gnomAD 0.00190 and 0.00230; TOPMed 0.00266.
gnomAD v4.1: 3,633 of 1,225,138 alleles (0.3%); highest among the groups gnomAD compares: Non-Finnish European, 0.33%; 11 homozygotes.

Submissions (3):

Labcorp Genetics (formerly Invitae), Labcorp
Classification: Uncertain significance. Last evaluated: 2026-01-12. Review status: criteria provided, single submitter. Criteria: Invitae Variant Classification Sherloc (09022015). Collection method: clinical testing. Allele origin: germline.
Comment: This sequence change replaces serine, which is neutral and polar, with proline, which is neutral and non-polar, at codon 14 of the SIRT1 protein (p.Ser14Pro). This variant is present in population databases (rs201230502, gnomAD 0.2%), and has an allele count higher than expected for a pathogenic variant. This variant has not been reported in the literature in individuals affected with SIRT1-related conditions. ClinVar contains an entry for this variant (Variation ID: 1524941). An algorithm developed to predict the effect of missense changes on protein structure and function (PolyPhen-2) suggests that this variant is likely to be tolerated. In summary, the available evidence is currently insufficient to determine the role of this variant in disease. Therefore, it has been classified as a Variant of Uncertain Significance.

Breakthrough Genomics
Classification: Uncertain significance. Review status: criteria provided, single submitter. Criteria: ACMG Guidelines, 2015. Collection method: not provided. Allele origin: germline. Inheritance: Unknown mechanism. Affected: yes.

PreventionGenetics, part of Exact Sciences
Classification: Likely benign for SIRT1-related condition. Last evaluated: 2023-06-08. Review status: no assertion criteria provided. Collection method: clinical testing. Allele origin: germline. Not counted in ClinVar's aggregate classification.
Comment: This variant is classified as likely benign based on ACMG/AMP sequence variant interpretation guidelines (Richards et al. 2015 PMID: 25741868, with internal and published modifications).